The following is an entry in ClinVar:

NM_181426.2(CCDC39):c.2736G>A (p.Pro912=)

Genes: CCDC39 (coiled-coil domain 39 molecular ruler complex subunit; minus strand), TTC14 (tetratricopeptide repeat domain 14; plus strand). Cytogenetic location: 3q26.33.
Variant type: single nucleotide variant.
Coding change: c.2736G>A on transcript NM_181426.2 (MANE Select); coding-DNA position 2736, G replaced by A.
Protein change: p.Pro912=; no amino-acid change (proline 912 retained).
Molecular consequence: synonymous variant. On other transcripts: intron variant (1).
Genome position (GRCh38, 1-based): chr3:180,615,011, C>T on the plus strand (G>A on the coding strand, the complement: CCDC39 is on the minus strand). VCF-style: chr3-180615011-C-T. GRCh37 (hg19) VCF-style: chr3-180332799-C-T.
Other names: c.1775-2369C>T (NM_001288582.2).
Identifiers: ClinVar variation 455023 (VCV000455023.10), dbSNP rs183889161, ClinGen allele CA2715596.

ClinVar aggregate classification (germline): Likely benign. Review status: criteria provided, multiple submitters, no conflicts (2 of 4 stars). 2 submissions from 2 submitters: Likely benign (2). Last evaluated 2025-11-04.

Conditions:
CCDC39-related disorder. Also called: CCDC39-related condition.
Primary ciliary dyskinesia. Also called: Ciliary dyskinesia. Identifiers: Orphanet 244, MedGen C0008780, MONDO:0016575, HP:0012265.

Allele frequency attached by ClinVar (database versions not stated): gnomAD 0.00010 and 0.00008; ExAC 0.00015; gnomAD exomes 0.00002 and 0.00005; 1000 Genomes Project 0.00020; TOPMed 0.00013; 1000 Genomes Project 30x 0.00016; ESP Exome Variant Server 0.00017.
gnomAD v4.1: 37 of 1,558,780 alleles (0.0024%); highest among the groups gnomAD compares: African/African-American, 0.035%; no homozygotes.

Submissions (2):

Labcorp Genetics (formerly Invitae), Labcorp
Classification: Likely benign for Primary ciliary dyskinesia. Last evaluated: 2025-11-04. Review status: criteria provided, single submitter. Criteria: Invitae Variant Classification Sherloc (09022015). Collection method: clinical testing. Allele origin: germline.

PreventionGenetics, part of Exact Sciences
Classification: Likely benign for CCDC39-related condition. Last evaluated: 2024-12-31. Review status: criteria provided, single submitter. Criteria: ACMG Guidelines, 2015. Collection method: clinical testing. Allele origin: germline.
Comment: This variant is classified as likely benign based on ACMG/AMP sequence variant interpretation guidelines (Richards et al. 2015 PMID: 25741868, with internal and published modifications).